The following is an entry in ClinVar:

ClinVar aggregate classification (germline): Uncertain significance. Review status: criteria provided, multiple submitters, no conflicts (2 of 4 stars). 2 submissions from 2 submitters: Uncertain significance (2). Last evaluated 2026-03-28.

Conditions:
Inborn genetic diseases. Identifiers: MedGen C0950123, MeSH D030342.

Submissions (2):

Ambry Genetics
Classification: Uncertain significance for Inborn genetic diseases. Last evaluated: 2026-03-28. Review status: criteria provided, single submitter. Criteria: Ambry Variant Classification Scheme 2023. Collection method: clinical testing. Allele origin: germline.
Comment: The p.K361R variant (also known as c.1082A>G), located in coding exon 3 of the MBD4 gene, results from an A to G substitution at nucleotide position 1082. The lysine at codon 361 is replaced by arginine, an amino acid with highly similar properties. This amino acid position is conserved. In addition, this alteration is predicted to be tolerated by in silico analysis. Based on the available evidence, the clinical significance of this variant remains unclear.

Labcorp Genetics (formerly Invitae), Labcorp
Classification: Uncertain significance. Last evaluated: 2025-12-08. Review status: criteria provided, single submitter. Criteria: Invitae Variant Classification Sherloc (09022015). Collection method: clinical testing. Allele origin: germline.
Comment: This sequence change replaces lysine, which is basic and polar, with arginine, which is basic and polar, at codon 361 of the MBD4 protein (p.Lys361Arg). This variant is not present in population databases (gnomAD no frequency). This variant has not been reported in the literature in individuals affected with MBD4-related conditions. An algorithm developed to predict the effect of missense changes on protein structure and function (PolyPhen-2) suggests that this variant is likely to be disruptive. In summary, the available evidence is currently insufficient to determine the role of this variant in disease. Therefore, it has been classified as a Variant of Uncertain Significance.

NM_001276270.2(MBD4):c.1082A>G (p.Lys361Arg)

Gene: MBD4 (methyl-CpG binding domain 4, DNA glycosylase; minus strand). Cytogenetic location: 3q21.3.
Variant type: single nucleotide variant.
Coding change: c.1082A>G on transcript NM_001276270.2 (MANE Select); coding-DNA position 1082, A replaced by G.
Protein change: p.Lys361Arg; replaces lysine 361 with arginine.
Molecular consequence: missense variant. On other transcripts: intron variant (1).
Genome position (GRCh38, 1-based): chr3:129,436,562, T>C on the plus strand (A>G on the coding strand, the complement: MBD4 is on the minus strand). VCF-style: chr3-129436562-T-C. GRCh37 (hg19) VCF-style: chr3-129155405-T-C.
Other names: c.1082A>G, p.Lys361Arg (NM_001276271.2, NM_001276272.2, NM_003925.3); c.247+1246A>G (NM_001276273.2); short protein forms K361R.
Identifiers: ClinVar variation 4732670 (VCV004732670.2).
Genomic context (GRCh38, chr3:129,436,562, plus strand): 5'-TCAGAGCCACGTTTTAAAATGTCAGTATGCAAATGTTCTTTCCTTTCCACAACTTCTACT[T>C]TTGTTCCGATTTCTTCAGATTCTAAAAAGGTATCCTCATACTTCTCGTTGTGTTCTGAGT-3'
Protein context (NP_001263199.1, residues 351-371): TFLESEEIGT[Lys361Arg]VEVVERKEHL